The following is an entry in ClinVar:

NM_007254.4(PNKP):c.1391G>T (p.Arg464Leu)

Gene: PNKP (polynucleotide kinase 3'-phosphatase; minus strand). Cytogenetic location: 19q13.33.
Variant type: single nucleotide variant.
Coding change: c.1391G>T on transcript NM_007254.4 (MANE Select); coding-DNA position 1391, G replaced by T.
Protein change: p.Arg464Leu; replaces arginine 464 with leucine.
Molecular consequence: missense variant.
Genome position (GRCh38, 1-based): chr19:49,861,506, C>A on the plus strand (G>T on the coding strand, the complement: PNKP is on the minus strand). VCF-style: chr19-49861506-C-A. GRCh37 (hg19) VCF-style: chr19-50364763-C-A.
Other names: short protein forms R464L.
Identifiers: ClinVar variation 2171084 (VCV002171084.5), dbSNP rs377619541, ClinGen allele CA9586390.

ClinVar aggregate classification (germline): Uncertain significance (1 of 4 stars; one submission).

Conditions:
Developmental and epileptic encephalopathy, 12 (DEE12). Identifiers: MedGen C3150988, MONDO:0013389, OMIM 613722.

Allele frequency attached by ClinVar (database versions not stated): ESP Exome Variant Server 0.00008.

Submissions (2):

Labcorp Genetics (formerly Invitae), Labcorp
Classification: Uncertain significance for Developmental and epileptic encephalopathy, 12. Last evaluated: 2024-01-16. Review status: criteria provided, single submitter. Criteria: Invitae Variant Classification Sherloc (09022015). Collection method: clinical testing. Allele origin: germline.
Comment: This sequence change replaces arginine, which is basic and polar, with leucine, which is neutral and non-polar, at codon 464 of the PNKP protein (p.Arg464Leu). The frequency data for this variant in the population databases is considered unreliable, as metrics indicate poor data quality at this position in the gnomAD database. This variant has not been reported in the literature in individuals affected with PNKP-related conditions. ClinVar contains an entry for this variant (Variation ID: 2171084). Advanced modeling of protein sequence and biophysical properties (such as structural, functional, and spatial information, amino acid conservation, physicochemical variation, residue mobility, and thermodynamic stability) performed at Invitae indicates that this missense variant is expected to disrupt PNKP protein function with a positive predictive value of 80%. Algorithms developed to predict the effect of sequence changes on RNA splicing suggest that this variant may disrupt the consensus splice site. In summary, the available evidence is currently insufficient to determine the role of this variant in disease. Therefore, it has been classified as a Variant of Uncertain Significance.

Dr. Peter K. Rogan Lab, Western University
No classification provided (evidence only). Condition: Malignant tumor of urinary bladder. Review status: no classification provided. Collection method: in vitro. Allele origin: not applicable. Functional consequence: retained intron. Not counted in ClinVar's aggregate classification.